The following is an entry in ClinVar:

ClinVar aggregate classification (germline): Uncertain significance (1 of 4 stars; one submission).

Submission:

GeneDx
Classification: Uncertain significance. Last evaluated: 2025-04-04. Review status: criteria provided, single submitter. Criteria: GeneDx Variant Classification Process June 2021. Collection method: clinical testing. Allele origin: germline. Affected: yes.
Comment: Not observed at significant frequency in large population cohorts (gnomAD); In silico analysis indicates that this missense variant does not alter protein structure/function; Has not been previously published as pathogenic or benign to our knowledge

NM_000243.3(MEFV):c.1067A>G (p.Gln356Arg)

Gene: MEFV (MEFV innate immunity regulator, pyrin; minus strand). Cytogenetic location: 16p13.3.
Variant type: single nucleotide variant.
Coding change: c.1067A>G on transcript NM_000243.3 (MANE Select); coding-DNA position 1067, A replaced by G.
Protein change: p.Gln356Arg; replaces glutamine 356 with arginine.
Molecular consequence: missense variant.
Genome position (GRCh38, 1-based): chr16:3,249,624, T>C on the plus strand (A>G on the coding strand, the complement: MEFV is on the minus strand). VCF-style: chr16-3249624-T-C. GRCh37 (hg19) VCF-style: chr16-3299624-T-C.
Other names: c.434A>G, p.Gln145Arg (NM_001198536.2); short protein forms Q145R, Q356R.
Identifiers: ClinVar variation 4278913 (VCV004278913.1).